The following is an entry in ClinVar:

NM_205836.3(FBXO38):c.1258A>G (p.Ile420Val)

Gene: FBXO38 (F-box protein 38; plus strand). Cytogenetic location: 5q32.
Variant type: single nucleotide variant.
Coding change: c.1258A>G on transcript NM_205836.3 (MANE Select); coding-DNA position 1258, A replaced by G.
Protein change: p.Ile420Val; replaces isoleucine 420 with valine.
Molecular consequence: missense variant.
Genome position (GRCh38, 1-based): chr5:148,414,300, A>G. VCF-style: chr5-148414300-A-G. GRCh37 (hg19) VCF-style: chr5-147793863-A-G.
Other names: c.1258A>G, p.Ile420Val (NM_001271723.2, NM_030793.5); short protein forms I420V.
Identifiers: ClinVar variation 860153 (VCV000860153.11), dbSNP rs1752930598, ClinGen allele CA361658929.

ClinVar aggregate classification (germline): Uncertain significance (1 of 4 stars; one submission).

Conditions:
Distal hereditary motor neuropathy type 2. Identifiers: Orphanet 139525, MedGen C3711384, MeSH C580044, MONDO:0015352.

Submission:

Labcorp Genetics (formerly Invitae), Labcorp
Classification: Uncertain significance for Distal hereditary motor neuropathy type 2. Last evaluated: 2022-10-17. Review status: criteria provided, single submitter. Criteria: Invitae Variant Classification Sherloc (09022015). Collection method: clinical testing. Allele origin: germline.
Comment: In summary, the available evidence is currently insufficient to determine the role of this variant in disease. Therefore, it has been classified as a Variant of Uncertain Significance. Advanced modeling of protein sequence and biophysical properties (such as structural, functional, and spatial information, amino acid conservation, physicochemical variation, residue mobility, and thermodynamic stability) performed at Invitae indicates that this missense variant is not expected to disrupt FBXO38 protein function. ClinVar contains an entry for this variant (Variation ID: 860153). This variant has not been reported in the literature in individuals affected with FBXO38-related conditions. This variant is not present in population databases (gnomAD no frequency). This sequence change replaces isoleucine, which is neutral and non-polar, with valine, which is neutral and non-polar, at codon 420 of the FBXO38 protein (p.Ile420Val).